The following is an entry in ClinVar:

NM_000038.6(APC):c.4187T>G (p.Phe1396Cys)

Gene: APC (APC regulator of Wnt signaling pathway; plus strand). Cytogenetic location: 5q22.2.
Variant type: single nucleotide variant.
Coding change: c.4187T>G on transcript NM_000038.6 (MANE Select); coding-DNA position 4187, T replaced by G.
Protein change: p.Phe1396Cys; replaces phenylalanine 1396 with cysteine.
Molecular consequence: missense variant. On other transcripts: non-coding transcript variant (2).
Genome position (GRCh38, 1-based): chr5:112,839,781, T>G. VCF-style: chr5-112839781-T-G. GRCh37 (hg19) VCF-style: chr5-112175478-T-G.
Other names: c.3914T>G, p.Phe1305Cys (NM_001354902.2); c.3884T>G, p.Phe1295Cys (NM_001354903.2, NM_001407460.1, NM_001407458.1 and 1 more transcripts); c.3809T>G, p.Phe1270Cys (NM_001354904.2); c.4064T>G, p.Phe1355Cys (NM_001354900.2); c.3707T>G, p.Phe1236Cys (NM_001354905.2); c.4010T>G, p.Phe1337Cys (NM_001354901.2, NM_001407453.1); c.3800T>G, p.Phe1267Cys (NM_001407469.1, NM_001407467.1); c.3035T>G, p.Phe1012Cys (NM_001407471.1, NM_001407472.1); and 11 more; short protein forms F1012C, F1236C, F1355C, F1389C, F1424C, F1270C, F1305C, F1337C.
Identifiers: ClinVar variation 2767416 (VCV002767416.3), dbSNP rs2149908577, ClinGen allele CA16030507.

ClinVar aggregate classification (germline): Uncertain significance (1 of 4 stars; one submission).

Conditions:
Familial adenomatous polyposis 1 (FAP1). Also called: POLYPOSIS, ADENOMATOUS INTESTINAL; FAMILIAL ADENOMATOUS POLYPOSIS 1, ATTENUATED. Identifiers: MedGen C2713442, MONDO:0021056, OMIM 175100. Disease mechanism: loss of function.

Submission:

Labcorp Genetics (formerly Invitae), Labcorp
Classification: Uncertain significance for Familial adenomatous polyposis 1. Last evaluated: 2023-10-10. Review status: criteria provided, single submitter. Criteria: Invitae Variant Classification Sherloc (09022015). Collection method: clinical testing. Allele origin: germline.
Comment: This sequence change replaces phenylalanine, which is neutral and non-polar, with cysteine, which is neutral and slightly polar, at codon 1396 of the APC protein (p.Phe1396Cys). This variant is not present in population databases (gnomAD no frequency). This variant has not been reported in the literature in individuals affected with APC-related conditions. Advanced modeling of protein sequence and biophysical properties (such as structural, functional, and spatial information, amino acid conservation, physicochemical variation, residue mobility, and thermodynamic stability) performed at Invitae indicates that this missense variant is not expected to disrupt APC protein function. In summary, the available evidence is currently insufficient to determine the role of this variant in disease. Therefore, it has been classified as a Variant of Uncertain Significance.